The following is an entry in ClinVar:

NM_001312909.2(FAM111A):c.677G>T (p.Cys226Phe)

Gene: FAM111A (FAM111 trypsin like peptidase A; plus strand). Cytogenetic location: 11q12.1.
Variant type: single nucleotide variant.
Coding change: c.677G>T on transcript NM_001312909.2 (MANE Select); coding-DNA position 677, G replaced by T.
Protein change: p.Cys226Phe; replaces cysteine 226 with phenylalanine.
Molecular consequence: missense variant.
Genome position (GRCh38, 1-based): chr11:59,152,345, G>T. VCF-style: chr11-59152345-G-T. GRCh37 (hg19) VCF-style: chr11-58919818-G-T.
Other names: c.677G>T (NM_001142520.1); c.677G>T, p.Cys226Phe (NM_001142519.3, NM_001142520.3, NM_001142521.3 and 29 more transcripts); short protein forms C226F.
Identifiers: ClinVar variation 2717291 (VCV002717291.4), dbSNP rs778780878, ClinGen allele CA6016622.

ClinVar aggregate classification (germline): Conflicting classifications of pathogenicity. Review status: criteria provided, conflicting classifications (1 of 4 stars). 2 submissions from 2 submitters: Uncertain significance (1); Likely benign (1). Last evaluated 2024-03-17.

Conditions:
Inborn genetic diseases. Identifiers: MedGen C0950123, MeSH D030342.

Allele frequency attached by ClinVar (database versions not stated): gnomAD 0.00001; ExAC 0.00002; gnomAD exomes 0.00002; TOPMed 0.00003.

Submissions (2):

Labcorp Genetics (formerly Invitae), Labcorp
Classification: Uncertain significance. Last evaluated: 2024-03-17. Review status: criteria provided, single submitter. Criteria: Invitae Variant Classification Sherloc (09022015). Collection method: clinical testing. Allele origin: germline.
Comment: This sequence change replaces cysteine, which is neutral and slightly polar, with phenylalanine, which is neutral and non-polar, at codon 226 of the FAM111A protein (p.Cys226Phe). This variant is present in population databases (rs778780878, gnomAD 0.03%). This variant has not been reported in the literature in individuals affected with FAM111A-related conditions. Advanced modeling of protein sequence and biophysical properties (such as structural, functional, and spatial information, amino acid conservation, physicochemical variation, residue mobility, and thermodynamic stability) performed at Invitae indicates that this missense variant is expected to disrupt FAM111A protein function with a positive predictive value of 80%. In summary, the available evidence is currently insufficient to determine the role of this variant in disease. Therefore, it has been classified as a Variant of Uncertain Significance.

Ambry Genetics
Classification: Likely benign for Inborn genetic diseases. Last evaluated: 2022-08-18. Review status: criteria provided, single submitter. Criteria: Ambry Variant Classification Scheme 2023. Collection method: clinical testing. Allele origin: germline.